The following is an entry in ClinVar:

NM_001206744.2(TPO):c.2044C>T (p.Gln682Ter)

Genes: LALTOP (lung cancer associated lncRNA targeting TOP2A; minus strand), TPO (thyroid peroxidase; plus strand). Cytogenetic location: 2p25.3.
Variant type: single nucleotide variant.
Coding change: c.2044C>T on transcript NM_001206744.2 (MANE Select); coding-DNA position 2044, C replaced by T.
Protein change: p.Gln682Ter; replaces glutamine 682 with a stop codon.
Molecular consequence: nonsense.
Genome position (GRCh38, 1-based): chr2:1,496,026, C>T. VCF-style: chr2-1496026-C-T. GRCh37 (hg19) VCF-style: chr2-1499798-C-T.
Other names: c.2044C>T (NM_000547.5); c.2044C>T, p.Gln682Ter (NM_000547.6, NM_175721.3); c.1873C>T, p.Gln625Ter (NM_001206745.2, NM_175719.4); c.1525C>T, p.Gln509Ter (NM_175722.3); short protein forms Q509*, Q682*, Q625*.
Identifiers: ClinVar variation 2979940 (VCV002979940.5), dbSNP rs1239225665, ClinGen allele CA345697748.

ClinVar aggregate classification (germline): Pathogenic/Likely pathogenic. Review status: criteria provided, multiple submitters, no conflicts (2 of 4 stars). 3 submissions from 3 submitters: Pathogenic (2); Likely pathogenic (1). Last evaluated 2025-08-30.

Conditions:
Deficiency of iodide peroxidase (TDH2A). Also called: HYPOTHYROIDISM, CONGENITAL, DUE TO DYSHORMONOGENESIS, 2A; IODIDE PEROXIDASE DEFICIENCY; THYROID HORMONOGENESIS, GENETIC DEFECT IN, 2A; THYROID PEROXIDASE DEFICIENCY; Thyroid dyshormonogenesis 2A. Identifiers: Orphanet 95716, MedGen C1291299, MONDO:0010133, OMIM 274500.

Allele frequency attached by ClinVar (database versions not stated): gnomAD exomes below 0.00001; TOPMed below 0.00001.
gnomAD v4.1: 3 of 1,613,606 alleles (0.00019%); highest among the groups gnomAD compares: Non-Finnish European, 0.00025%; no homozygotes.

Submissions (3):

3billion
Classification: Pathogenic for Deficiency of iodide peroxidase. Last evaluated: 2025-08-30. Review status: criteria provided, single submitter. Criteria: ACMG Guidelines, 2015. Collection method: clinical testing. Allele origin: germline. Affected: yes.
Comment: The variant is observed at an extremely low frequency in the gnomAD v4.1.0 dataset (total allele frequency: <0.001%). Predicted Consequence/Location: Stop-gained (nonsense): predicted to result in a loss or disruption of normal protein function through nonsense-mediated decay (NMD) or protein truncation. Multiple pathogenic variants are reported downstream of the variant. The variant has been reported at least twice as pathogenic without evidence for the classification (ClinVar ID: VCV002979940). Therefore, this variant is classified as Pathogenic according to the recommendation of ACMG/AMP guideline.

Fulgent Genetics
Classification: Likely pathogenic for Deficiency of iodide peroxidase. Last evaluated: 2024-01-30. Review status: criteria provided, single submitter. Criteria: ACMG Guidelines, 2015. Collection method: clinical testing. Allele origin: germline.

Labcorp Genetics (formerly Invitae), Labcorp
Classification: Pathogenic. Last evaluated: 2023-06-28. Review status: criteria provided, single submitter. Criteria: Invitae Variant Classification Sherloc (09022015). Collection method: clinical testing. Allele origin: germline.
Comment: This sequence change creates a premature translational stop signal (p.Gln682*) in the TPO gene. It is expected to result in an absent or disrupted protein product. Loss-of-function variants in TPO are known to be pathogenic (PMID: 11061528, 23236987, 25564141). This variant is not present in population databases (gnomAD no frequency). This variant has not been reported in the literature in individuals affected with TPO-related conditions. For these reasons, this variant has been classified as Pathogenic.

Literature cited by the submitters: PubMed 11061528 (cited by Labcorp Genetics (formerly Invitae), Labcorp); PubMed 23236987 (cited by Labcorp Genetics (formerly Invitae), Labcorp); PubMed 25564141 (cited by Labcorp Genetics (formerly Invitae), Labcorp).